The following is an entry in ClinVar:

ClinVar aggregate classification (germline): Uncertain significance. Review status: criteria provided, multiple submitters, no conflicts (2 of 4 stars). 2 submissions from 2 submitters: Uncertain significance (2). Last evaluated 2024-04-29.

Conditions:
Fanconi anemia complementation group P. Also called: SLX4-Related Fanconi Anemia. Identifiers: Orphanet 84, MedGen C3469542, MONDO:0013499, OMIM 613951.
Fanconi anemia (FA). Also called: Fanconi's anemia. Identifiers: Orphanet 84, MedGen C0015625, MeSH D005199, MONDO:0019391.

gnomAD v4.1: 3 of 1,614,238 alleles (0.00019%); highest among the groups gnomAD compares: African/African-American, 0.0013%; no homozygotes.

Submissions (2):

Fulgent Genetics
Classification: Uncertain significance for Fanconi anemia complementation group P. Last evaluated: 2024-04-29. Review status: criteria provided, single submitter. Criteria: ACMG Guidelines, 2015. Collection method: clinical testing. Allele origin: germline.

Labcorp Genetics (formerly Invitae), Labcorp
Classification: Uncertain significance for Fanconi anemia. Last evaluated: 2021-02-17. Review status: criteria provided, single submitter. Criteria: Invitae Variant Classification Sherloc (09022015). Collection method: clinical testing. Allele origin: germline.
Comment: In summary, the available evidence is currently insufficient to determine the role of this variant in disease. Therefore, it has been classified as a Variant of Uncertain Significance. Algorithms developed to predict the effect of missense changes on protein structure and function output the following: SIFT: "Tolerated"; PolyPhen-2: "Benign"; Align-GVGD: "Class C0". The glycine amino acid residue is found in multiple mammalian species, suggesting that this missense change does not adversely affect protein function. These predictions have not been confirmed by published functional studies and their clinical significance is uncertain. This variant has not been reported in the literature in individuals with SLX4-related conditions. This variant is not present in population databases (ExAC no frequency). This sequence change replaces serine with glycine at codon 1715 of the SLX4 protein (p.Ser1715Gly). The serine residue is moderately conserved and there is a small physicochemical difference between serine and glycine.

NM_032444.4(SLX4):c.5143A>G (p.Ser1715Gly)

Gene: SLX4 (SLX4 structure-specific endonuclease subunit; minus strand). Cytogenetic location: 16p13.3.
Variant type: single nucleotide variant.
Coding change: c.5143A>G on transcript NM_032444.4 (MANE Select); coding-DNA position 5143, A replaced by G.
Protein change: p.Ser1715Gly; replaces serine 1715 with glycine.
Molecular consequence: missense variant.
Genome position (GRCh38, 1-based): chr16:3,583,107, T>C on the plus strand (A>G on the coding strand, the complement: SLX4 is on the minus strand). VCF-style: chr16-3583107-T-C. GRCh37 (hg19) VCF-style: chr16-3633108-T-C.
Other names: short protein forms S1715G.
Identifiers: ClinVar variation 1464820 (VCV001464820.9), dbSNP rs2151116429, ClinGen allele CA394514426.
Genomic context (GRCh38, chr16:3,583,107, plus strand): 5'-GGGCCAGAGGATACATGAGGCCACTGACCCCATCGCATCCATCCGGTTACCTCTGTGAGC[T>C]CAAGGAGCTGTCACTGCCATCCACAGAGGTGGCCACGGATTCTTGAGAGGCTGGGATCTG-3'
Protein context (NP_115820.2, residues 1705-1725): TSVDGSDSSL[Ser1715Gly]SQSSSSCEFG